The following is an entry in ClinVar:

ClinVar aggregate classification (germline): Uncertain significance. Review status: criteria provided, multiple submitters, no conflicts (2 of 4 stars). 4 submissions from 4 submitters: Uncertain significance (4). Last evaluated 2025-12-05.

Conditions:
Familial adenomatous polyposis 1 (FAP1). Also called: POLYPOSIS, ADENOMATOUS INTESTINAL; FAMILIAL ADENOMATOUS POLYPOSIS 1, ATTENUATED. Identifiers: MedGen C2713442, MONDO:0021056, OMIM 175100. Disease mechanism: loss of function.
Hereditary cancer-predisposing syndrome. Also called: Neoplastic Syndromes, Hereditary; Hereditary Cancer Syndrome; Tumor predisposition; Hereditary neoplastic syndrome. Identifiers: Orphanet 140162, MedGen C0027672, MeSH D009386, MONDO:0015356.

Allele frequency attached by ClinVar (database versions not stated): gnomAD exomes below 0.00001; gnomAD 0.00002; TOPMed 0.00002.
gnomAD v4.1: 4 of 1,614,058 alleles (0.00025%); highest among the groups gnomAD compares: African/African-American, 0.0053%; no homozygotes.

Submissions (4):

Labcorp Genetics (formerly Invitae), Labcorp
Classification: Uncertain significance for Familial adenomatous polyposis 1. Last evaluated: 2025-12-05. Review status: criteria provided, single submitter. Criteria: Invitae Variant Classification Sherloc (09022015). Collection method: clinical testing. Allele origin: germline.
Comment: This sequence change replaces aspartic acid, which is acidic and polar, with glycine, which is neutral and non-polar, at codon 1565 of the APC protein (p.Asp1565Gly). This variant is present in population databases (no rsID available, gnomAD 0.01%). This variant has not been reported in the literature in individuals affected with APC-related conditions. ClinVar contains an entry for this variant (Variation ID: 572966). Invitae Evidence Modeling of protein sequence and biophysical properties (such as structural, functional, and spatial information, amino acid conservation, physicochemical variation, residue mobility, and thermodynamic stability) indicates that this missense variant is not expected to disrupt APC protein function with a negative predictive value of 95%. In summary, the available evidence is currently insufficient to determine the role of this variant in disease. Therefore, it has been classified as a Variant of Uncertain Significance.

Ambry Genetics
Classification: Uncertain significance for Hereditary cancer-predisposing syndrome. Last evaluated: 2024-03-28. Review status: criteria provided, single submitter. Criteria: Ambry Variant Classification Scheme 2023. Collection method: clinical testing. Allele origin: germline.
Comment: The p.D1565G variant (also known as c.4694A>G), located in coding exon 15 of the APC gene, results from an A to G substitution at nucleotide position 4694. The aspartic acid at codon 1565 is replaced by glycine, an amino acid with similar properties. This amino acid position is highly conserved in available vertebrate species. In addition, in silico predictors for this gene do not accurately predict pathogenicity. Since supporting evidence is limited at this time, the clinical significance of this alteration remains unclear.

Baylor Genetics
Classification: Uncertain significance for Familial adenomatous polyposis 1. Last evaluated: 2023-11-03. Review status: criteria provided, single submitter. Criteria: ACMG Guidelines, 2015. Collection method: clinical testing. Allele origin: unknown.

Sema4
Classification: Uncertain significance for Hereditary cancer-predisposing syndrome. Last evaluated: 2021-06-13. Review status: criteria provided, single submitter. Criteria: Sema4 Curation Guidelines. Collection method: curation. Allele origin: germline.
Comment: The APC c.4694A>G (p.D1565G) variant has not been reported in the literature to our knowledge. It was observed in 1/8716 chromosomes of the African/African American subpopulation in the large and broad cohorts of the Genome Aggregation Database (PMID: 32461654). The variant has been reported in ClinVar (Variation ID 572966). In silico tools suggest the impact of the variant on protein function is inconclusive, though these predictions have not been confirmed by functional studies. The evidence is insufficient to meet ACMG/AMP criteria for classifying the variant as benign or pathogenic. Thus, the clinical significance of this variant is currently uncertain.

NM_000038.6(APC):c.4694A>G (p.Asp1565Gly)

Gene: APC (APC regulator of Wnt signaling pathway; plus strand). Cytogenetic location: 5q22.2.
Variant type: single nucleotide variant.
Coding change: c.4694A>G on transcript NM_000038.6 (MANE Select); coding-DNA position 4694, A replaced by G.
Protein change: p.Asp1565Gly; replaces aspartic acid 1565 with glycine.
Molecular consequence: missense variant.
Genome position (GRCh38, 1-based): chr5:112,840,288, A>G. VCF-style: chr5-112840288-A-G. GRCh37 (hg19) VCF-style: chr5-112175985-A-G.
Other names: c.4694A>G, p.Asp1565Gly (NM_001127510.3, NM_001354895.2); c.4640A>G, p.Asp1547Gly (NM_001127511.3); c.4748A>G, p.Asp1583Gly (NM_001354896.2); c.4724A>G, p.Asp1575Gly (NM_001354897.2); c.4619A>G, p.Asp1540Gly (NM_001354898.2); c.4610A>G, p.Asp1537Gly (NM_001354899.2); c.4571A>G, p.Asp1524Gly (NM_001354900.2); c.4517A>G, p.Asp1506Gly (NM_001354901.2); and 5 more; short protein forms D1547G, D1565G, D1282G, D1575G, D1583G, D1405G, D1439G, D1474G.
Identifiers: ClinVar variation 572966 (VCV000572966.17), dbSNP rs1343192266, ClinGen allele CA16031622.